The following is an entry in ClinVar:

NM_005557.4(KRT16):c.910G>A (p.Ala304Thr)

Gene: KRT16 (keratin 16; minus strand). Cytogenetic location: 17q21.2.
Variant type: single nucleotide variant.
Coding change: c.910G>A on transcript NM_005557.4 (MANE Select); coding-DNA position 910, G replaced by A.
Protein change: p.Ala304Thr; replaces alanine 304 with threonine.
Molecular consequence: missense variant.
Genome position (GRCh38, 1-based): chr17:41,611,092, C>T on the plus strand (G>A on the coding strand, the complement: KRT16 is on the minus strand). VCF-style: chr17-41611092-C-T. GRCh37 (hg19) VCF-style: chr17-39767344-C-T.
Other names: short protein forms A304T.
Identifiers: ClinVar variation 4706134 (VCV004706134.1).

ClinVar aggregate classification (germline): Uncertain significance (1 of 4 stars; one submission).

gnomAD v4.1: 28 of 1,613,930 alleles (0.0017%); highest among the groups gnomAD compares: Admixed American, 0.0067%; no homozygotes.

Submission:

Labcorp Genetics (formerly Invitae), Labcorp
Classification: Uncertain significance. Last evaluated: 2025-11-29. Review status: criteria provided, single submitter. Criteria: Invitae Variant Classification Sherloc (09022015). Collection method: clinical testing. Allele origin: germline.
Comment: This sequence change replaces alanine, which is neutral and non-polar, with threonine, which is neutral and polar, at codon 304 of the KRT16 protein (p.Ala304Thr). This variant is present in population databases (rs778664716, gnomAD 0.01%). This variant has not been reported in the literature in individuals affected with KRT16-related conditions. Invitae Evidence Modeling of protein sequence and biophysical properties (such as structural, functional, and spatial information, amino acid conservation, physicochemical variation, residue mobility, and thermodynamic stability) indicates that this missense variant is not expected to disrupt KRT16 protein function with a negative predictive value of 95%. In summary, the available evidence is currently insufficient to determine the role of this variant in disease. Therefore, it has been classified as a Variant of Uncertain Significance.